The following is an entry in ClinVar:

NM_001080512.3(BICC1):c.2507G>T (p.Ser836Ile)

Gene: BICC1 (BicC family RNA binding protein 1; plus strand). Cytogenetic location: 10q21.1.
Variant type: single nucleotide variant.
Coding change: c.2507G>T on transcript NM_001080512.3 (MANE Select); coding-DNA position 2507, G replaced by T.
Protein change: p.Ser836Ile; replaces serine 836 with isoleucine.
Molecular consequence: missense variant.
Genome position (GRCh38, 1-based): chr10:58,813,960, G>T. VCF-style: chr10-58813960-G-T. GRCh37 (hg19) VCF-style: chr10-60573720-G-T.
Other names: short protein forms S836I.
Identifiers: ClinVar variation 2738082 (VCV002738082.3), dbSNP rs143246979, ClinGen allele CA5508823.

ClinVar aggregate classification (germline): Uncertain significance (1 of 4 stars; one submission).

Allele frequency attached by ClinVar (database versions not stated): gnomAD 0.00001; gnomAD exomes 0.00001; ExAC 0.00002; TOPMed 0.00004; ESP Exome Variant Server 0.00008.
gnomAD v4.1: 12 of 1,613,912 alleles (0.00074%); highest among the groups gnomAD compares: Non-Finnish European, 0.00093%; no homozygotes.

Submission:

Labcorp Genetics (formerly Invitae), Labcorp
Classification: Uncertain significance. Last evaluated: 2023-01-15. Review status: criteria provided, single submitter. Criteria: Invitae Variant Classification Sherloc (09022015). Collection method: clinical testing. Allele origin: germline.
Comment: In summary, the available evidence is currently insufficient to determine the role of this variant in disease. Therefore, it has been classified as a Variant of Uncertain Significance. Algorithms developed to predict the effect of missense changes on protein structure and function are either unavailable or do not agree on the potential impact of this missense change (SIFT: "Deleterious"; PolyPhen-2: "Probably Damaging"; Align-GVGD: "Class C0"). This variant has not been reported in the literature in individuals affected with BICC1-related conditions. This variant is present in population databases (rs143246979, gnomAD 0.003%). This sequence change replaces serine, which is neutral and polar, with isoleucine, which is neutral and non-polar, at codon 836 of the BICC1 protein (p.Ser836Ile).